The following is an entry in ClinVar:

ClinVar aggregate classification (germline): Uncertain significance. Review status: criteria provided, multiple submitters, no conflicts (2 of 4 stars). 2 submissions from 2 submitters: Uncertain significance (2). Last evaluated 2025-08-28.

Conditions:
Inborn genetic diseases. Identifiers: MedGen C0950123, MeSH D030342.

gnomAD v4.1: 8 of 1,613,774 alleles (0.0005%); highest among the groups gnomAD compares: African/African-American, 0.0027%; no homozygotes.

Submissions (2):

Labcorp Genetics (formerly Invitae), Labcorp
Classification: Uncertain significance. Last evaluated: 2025-08-28. Review status: criteria provided, single submitter. Criteria: Invitae Variant Classification Sherloc (09022015). Collection method: clinical testing. Allele origin: germline.
Comment: This sequence change replaces aspartic acid, which is acidic and polar, with asparagine, which is neutral and polar, at codon 42 of the EFTUD2 protein (p.Asp42Asn). This variant is not present in population databases (gnomAD no frequency). This variant has not been reported in the literature in individuals affected with EFTUD2-related conditions. An algorithm developed to predict the effect of missense changes on protein structure and function (PolyPhen-2) suggests that this variant is likely to be tolerated. In summary, the available evidence is currently insufficient to determine the role of this variant in disease. Therefore, it has been classified as a Variant of Uncertain Significance.

Ambry Genetics
Classification: Uncertain significance for Inborn genetic diseases. Last evaluated: 2025-08-22. Review status: criteria provided, single submitter. Criteria: Ambry Variant Classification Scheme 2023. Collection method: clinical testing. Allele origin: germline.

NM_004247.4(EFTUD2):c.124G>A (p.Asp42Asn)

Gene: EFTUD2 (elongation factor Tu GTP binding domain containing 2; minus strand). Cytogenetic location: 17q21.31.
Variant type: single nucleotide variant.
Coding change: c.124G>A on transcript NM_004247.4 (MANE Select); coding-DNA position 124, G replaced by A.
Protein change: p.Asp42Asn; replaces aspartic acid 42 with asparagine.
Molecular consequence: missense variant.
Genome position (GRCh38, 1-based): chr17:44,886,732, C>T on the plus strand (G>A on the coding strand, the complement: EFTUD2 is on the minus strand). VCF-style: chr17-44886732-C-T. GRCh37 (hg19) VCF-style: chr17-42964100-C-T.
Other names: c.19G>A, p.Asp7Asn (NM_001142605.2); c.124G>A, p.Asp42Asn (NM_001258353.2, NM_001258354.2); short protein forms D42N, D7N.
Identifiers: ClinVar variation 4247174 (VCV004247174.2).